The following is an entry in ClinVar:

ClinVar aggregate classification (germline): Uncertain significance. Review status: criteria provided, multiple submitters, no conflicts (2 of 4 stars). 3 submissions from 3 submitters: Uncertain significance (3). Last evaluated 2022-10-21.

Conditions:
Familial thoracic aortic aneurysm and aortic dissection (TAAD). Also called: Thoracic aortic aneurysms and dissections. Identifiers: Orphanet 91387, MedGen C4707243, MONDO:0019625.
Ehlers-Danlos syndrome, kyphoscoliotic type 1 (EDSKSCL1). Also called: EHLERS-DANLOS SYNDROME, OCULAR-SCOLIOTIC TYPE; Ehlers-Danlos syndrome, hydroxylysine-deficient; EHLERS-DANLOS SYNDROME, TYPE VIA; PLOD1-Related Kyphoscoliotic Ehlers-Danlos Syndrome. Identifiers: Orphanet 1900, MedGen C0268342, MONDO:0016002, OMIM 225400. Disease mechanism: loss of function.

Allele frequency attached by ClinVar (database versions not stated): TOPMed below 0.00001; gnomAD exomes 0.00001.
gnomAD v4.1: 9 of 1,614,146 alleles (0.00056%); highest among the groups gnomAD compares: South Asian, 0.0011%; no homozygotes.

Submissions (3):

Ambry Genetics
Classification: Uncertain significance for Familial thoracic aortic aneurysm and aortic dissection. Last evaluated: 2022-10-21. Review status: criteria provided, single submitter. Criteria: Ambry Variant Classification Scheme 2023. Collection method: clinical testing. Allele origin: germline.
Comment: The p.R111W variant (also known as c.331C>T), located in coding exon 4 of the PLOD1 gene, results from a C to T substitution at nucleotide position 331. The arginine at codon 111 is replaced by tryptophan, an amino acid with dissimilar properties. This amino acid position is conserved. In addition, this alteration is predicted to be tolerated by in silico analysis. Since supporting evidence is limited at this time, the clinical significance of this alteration remains unclear.

Fulgent Genetics
Classification: Uncertain significance for Ehlers-Danlos syndrome, kyphoscoliotic type 1. Last evaluated: 2022-04-25. Review status: criteria provided, single submitter. Criteria: ACMG Guidelines, 2015. Collection method: clinical testing. Allele origin: unknown.

Labcorp Genetics (formerly Invitae), Labcorp
Classification: Uncertain significance for Ehlers-Danlos syndrome, kyphoscoliotic type 1. Last evaluated: 2021-09-01. Review status: criteria provided, single submitter. Criteria: Invitae Variant Classification Sherloc (09022015). Collection method: clinical testing. Allele origin: germline.
Comment: This sequence change replaces arginine with tryptophan at codon 111 of the PLOD1 protein (p.Arg111Trp). The arginine residue is moderately conserved and there is a moderate physicochemical difference between arginine and tryptophan. This variant is not present in population databases (ExAC no frequency). This variant has not been reported in the literature in individuals affected with PLOD1-related conditions. Algorithms developed to predict the effect of missense changes on protein structure and function are either unavailable or do not agree on the potential impact of this missense change (SIFT: "Deleterious"; PolyPhen-2: "Possibly Damaging"; Align-GVGD: "Class C0"). In summary, the available evidence is currently insufficient to determine the role of this variant in disease. Therefore, it has been classified as a Variant of Uncertain Significance.

NM_000302.4(PLOD1):c.331C>T (p.Arg111Trp)

Gene: PLOD1 (procollagen-lysine,2-oxoglutarate 5-dioxygenase 1; plus strand). Cytogenetic location: 1p36.22.
Variant type: single nucleotide variant.
Coding change: c.331C>T on transcript NM_000302.4 (MANE Select); coding-DNA position 331, C replaced by T.
Protein change: p.Arg111Trp; replaces arginine 111 with tryptophan.
Molecular consequence: missense variant.
Genome position (GRCh38, 1-based): chr1:11,950,385, C>T. VCF-style: chr1-11950385-C-T. GRCh37 (hg19) VCF-style: chr1-12010442-C-T.
Other names: c.472C>T, p.Arg158Trp (NM_001316320.2); short protein forms R111W, R158W.
Identifiers: ClinVar variation 1061320 (VCV001061320.9), dbSNP rs772221158, ClinGen allele CA338426906.